The following is an entry in ClinVar:

ClinVar aggregate classification (germline): Uncertain significance (1 of 4 stars; one submission).

Submission:

GeneDx
Classification: Uncertain significance. Last evaluated: 2024-10-29. Review status: criteria provided, single submitter. Criteria: GeneDx Variant Classification Process June 2021. Collection method: clinical testing. Allele origin: germline. Affected: yes.
Comment: Not observed at significant frequency in large population cohorts (gnomAD); In silico analysis indicates that this missense variant does not alter protein structure/function; Has not been previously published as pathogenic or benign to our knowledge

NM_006265.3(RAD21):c.638A>G (p.Asp213Gly)

Gene: RAD21 (RAD21 cohesin complex component; minus strand). Cytogenetic location: 8q24.11.
Variant type: single nucleotide variant.
Coding change: c.638A>G on transcript NM_006265.3 (MANE Select); coding-DNA position 638, A replaced by G.
Protein change: p.Asp213Gly; replaces aspartic acid 213 with glycine.
Molecular consequence: missense variant.
Genome position (GRCh38, 1-based): chr8:116,857,317, T>C on the plus strand (A>G on the coding strand, the complement: RAD21 is on the minus strand). VCF-style: chr8-116857317-T-C. GRCh37 (hg19) VCF-style: chr8-117869556-T-C.
Other names: short protein forms D213G.
Identifiers: ClinVar variation 3897385 (VCV003897385.1).